The following is an entry in ClinVar:

NM_000081.4(LYST):c.3695G>A (p.Gly1232Asp)

Gene: LYST (lysosomal trafficking regulator; minus strand). Cytogenetic location: 1q42.3.
Variant type: single nucleotide variant.
Coding change: c.3695G>A on transcript NM_000081.4 (MANE Select); coding-DNA position 3695, G replaced by A.
Protein change: p.Gly1232Asp; replaces glycine 1232 with aspartic acid.
Molecular consequence: missense variant.
Genome position (GRCh38, 1-based): chr1:235,802,925, C>T on the plus strand (G>A on the coding strand, the complement: LYST is on the minus strand). VCF-style: chr1-235802925-C-T. GRCh37 (hg19) VCF-style: chr1-235966225-C-T.
Other names: c.3695G>A, p.Gly1232Asp (NM_001301365.1); short protein forms G1232D.
Identifiers: ClinVar variation 2108508 (VCV002108508.1), dbSNP rs760214066, ClinGen allele CA1467018.

ClinVar aggregate classification (germline): Uncertain significance (1 of 4 stars; one submission).

Conditions:
Chédiak-Higashi syndrome (CHS). Also called: Chediak-Higashi Syndrome. Identifiers: Orphanet 167, MedGen C0007965, MONDO:0008963, OMIM 214500.

Allele frequency attached by ClinVar (database versions not stated): gnomAD exomes below 0.00001; ExAC 0.00001.
gnomAD v4.1: 3 of 1,613,522 alleles (0.00019%); highest among the groups gnomAD compares: Admixed American, 0.0017%; no homozygotes.

Submission:

Labcorp Genetics (formerly Invitae), Labcorp
Classification: Uncertain significance for Chédiak-Higashi syndrome. Last evaluated: 2022-06-20. Review status: criteria provided, single submitter. Criteria: Invitae Variant Classification Sherloc (09022015). Collection method: clinical testing. Allele origin: germline.
Comment: This sequence change replaces glycine, which is neutral and non-polar, with aspartic acid, which is acidic and polar, at codon 1232 of the LYST protein (p.Gly1232Asp). This variant is present in population databases (rs760214066, gnomAD 0.003%). This variant has not been reported in the literature in individuals affected with LYST-related conditions. Algorithms developed to predict the effect of missense changes on protein structure and function (SIFT, PolyPhen-2, Align-GVGD) all suggest that this variant is likely to be tolerated. In summary, the available evidence is currently insufficient to determine the role of this variant in disease. Therefore, it has been classified as a Variant of Uncertain Significance.